The following is an entry in ClinVar:

NM_016077.5(PTRH2):c.214C>T (p.Arg72Ter)

Gene: PTRH2 (peptidyl-tRNA hydrolase 2; minus strand). Cytogenetic location: 17q23.1.
Variant type: single nucleotide variant.
Coding change: c.214C>T on transcript NM_016077.5 (MANE Select); coding-DNA position 214, C replaced by T.
Protein change: p.Arg72Ter; replaces arginine 72 with a stop codon.
Molecular consequence: nonsense.
Genome position (GRCh38, 1-based): chr17:59,697,765, G>A on the plus strand (C>T on the coding strand, the complement: PTRH2 is on the minus strand). VCF-style: chr17-59697765-G-A. GRCh37 (hg19) VCF-style: chr17-57775126-G-A.
Other names: c.217C>T, p.Arg73Ter (NM_001015509.3); short protein forms R72*, R73*.
Identifiers: ClinVar variation 4993618 (VCV004993618.1).

ClinVar aggregate classification (germline): Likely pathogenic (1 of 4 stars; one submission).

Conditions:
PTRH2-related disorder. Also called: PTRH2-related condition.

gnomAD v4.1: 1 of 1,614,104 alleles (0.000062%); highest among the groups gnomAD compares: African/African-American, 0.0013%; no homozygotes.

Submission:

PreventionGenetics, part of Exact Sciences
Classification: Likely pathogenic for PTRH2-related condition. Last evaluated: 2026-05-11. Review status: criteria provided, single submitter. Criteria: ACMG Guidelines, 2015. Collection method: clinical testing. Allele origin: germline.
Comment: The PTRH2 c.214C>T variant is predicted to result in premature protein termination (p.Arg72*). To our knowledge, this variant has not been reported in the literature or in a large population database (gnomAD), indicating this variant is rare. Nonsense variants in PTRH2 are expected to be pathogenic. This variant is interpreted as likely pathogenic.